The following is an entry in ClinVar:

ClinVar aggregate classification (germline): Uncertain significance. Review status: criteria provided, multiple submitters, no conflicts (2 of 4 stars). 3 submissions from 3 submitters: Uncertain significance (2). 1 of the submissions does not count toward it. Last evaluated 2020-07-15.

Conditions:
Glycine encephalopathy. Also called: Nonketotic hyperglycinemia; Non-ketotic hyperglycinemia. Identifiers: Orphanet 407, MedGen C0751748, MONDO:0011612, HP:0008288.

Allele frequency attached by ClinVar (database versions not stated): gnomAD exomes 0.00001; TOPMed 0.00001.
gnomAD v4.1: 10 of 1,613,902 alleles (0.00062%); highest among the groups gnomAD compares: Non-Finnish European, 0.00085%; no homozygotes.

Submissions (3):

GeneDx
Classification: Uncertain significance. Last evaluated: 2020-07-15. Review status: criteria provided, single submitter. Criteria: GeneDx Variant Classification Process June 2021. Collection method: clinical testing. Allele origin: germline. Affected: yes.
Comment: Observed in heterozygous state in a patient with neonatal nonketotic hyperglycinemia in published literature, however a second variant was not detected (Kure et al., 2006); Not observed in large population cohorts (Lek et al., 2016); In silico analysis supports that this missense variant has a deleterious effect on protein structure/function; This variant is associated with the following publications: (PMID: 16450403)

Labcorp Genetics (formerly Invitae), Labcorp
Classification: Uncertain significance for Glycine encephalopathy. Last evaluated: 2020-01-15. Review status: criteria provided, single submitter. Criteria: Invitae Variant Classification Sherloc (09022015). Collection method: clinical testing. Allele origin: germline.
Comment: This sequence change replaces methionine with lysine at codon 840 of the GLDC protein (p.Met840Lys). The methionine residue is highly conserved and there is a moderate physicochemical difference between methionine and lysine. This variant is not present in population databases (ExAC no frequency). This variant has been reported in heterozygosis in an individual affected with nonketotic hyperglycinemia (PMID: 16450403). ClinVar contains an entry for this variant (Variation ID: 56080). Algorithms developed to predict the effect of missense changes on protein structure and function do not agree on the potential impact of this missense change (SIFT: "Deleterious"; PolyPhen-2: "Probably Damaging"; Align-GVGD: "Class C0"). In summary, the available evidence is currently insufficient to determine the role of this variant in disease. Therefore, it has been classified as a Variant of Uncertain Significance.

Juha Muilu Group; Institute for Molecular Medicine Finland (FIMM)
Classification: Likely pathogenic for Non-ketotic hyperglycinemia. Review status: no assertion criteria provided. Collection method: not provided. Allele origin: unknown. Not counted in ClinVar's aggregate classification.
Comment: FinDis database variant: This variant was not found or characterized by our laboratory, data were collected from public sources: see reference
ClinVar note: Converted during submission from probable-pathogenic to Likely pathogenic.

Literature cited by the submitters: PubMed 16450403 (cited by Labcorp Genetics (formerly Invitae), Labcorp).

NM_000170.3(GLDC):c.2519T>A (p.Met840Lys)

Gene: GLDC (glycine decarboxylase; minus strand). Cytogenetic location: 9p24.1.
Variant type: single nucleotide variant.
Coding change: c.2519T>A on transcript NM_000170.3 (MANE Select); coding-DNA position 2519, T replaced by A.
Protein change: p.Met840Lys; replaces methionine 840 with lysine.
Molecular consequence: missense variant.
Genome position (GRCh38, 1-based): chr9:6,550,853, A>T on the plus strand (T>A on the coding strand, the complement: GLDC is on the minus strand). VCF-style: chr9-6550853-A-T. GRCh37 (hg19) VCF-style: chr9-6550853-A-T.
Other names: short protein forms M840K.
Identifiers: ClinVar variation 56080 (VCV000056080.11), dbSNP rs386833561, ClinGen allele CA263379.
Genomic context (GRCh38, chr9:6,550,853, plus strand): 5'-TGATACTTGCCTCTTGCACCCCTGAAAAGAATTCTGTAGTGTGTTTCTAATCGCTTGGCC[A>T]TGTAGTTGGCATTTAATATCGCAGTTTCCGTGGCTTGTTTAAGACCCTTGCCTCCCATCA-3'
Protein context (NP_000161.2, residues 830-850): TETAILNANY[Met840Lys]AKRLETHYRI